The following is an entry in ClinVar:

NM_000426.4(LAMA2):c.3033C>A (p.Cys1011Ter)

Gene: LAMA2 (laminin subunit alpha 2; plus strand). Cytogenetic location: 6q22.33.
Variant type: single nucleotide variant.
Coding change: c.3033C>A on transcript NM_000426.4 (MANE Select); coding-DNA position 3033, C replaced by A.
Protein change: p.Cys1011Ter; replaces cysteine 1011 with a stop codon.
Molecular consequence: nonsense.
Genome position (GRCh38, 1-based): chr6:129,297,861, C>A. VCF-style: chr6-129297861-C-A. GRCh37 (hg19) VCF-style: chr6-129619006-C-A.
Other names: c.3033C>A, p.Cys1011Ter (NM_001079823.2); short protein forms C1011*.
Identifiers: ClinVar variation 1709949 (VCV001709949.2), dbSNP rs2114451604, ClinGen allele CA365611288.
Genomic context (GRCh38, chr6:129,297,861, plus strand): 5'-CACAGGGAAGAAATGTGACCGCTGTGCCCACGGCTATTTCAACTTCCAAGAAGGAGGCTG[C>A]ACAGGTCTGTAAATATGACTTAAGTCCTACATATTCACTCTGATAGTTTTAGGGTCTGAC-3'

ClinVar aggregate classification (germline): Likely pathogenic (1 of 4 stars; one submission).

Conditions:
Merosin deficient congenital muscular dystrophy (MDC1A). Also called: Congenital merosin-deficient muscular dystrophy 1A; Congenital Muscular Dystrophy Type 1A (MDC1A). Identifiers: Orphanet 258, MedGen C1263858, MONDO:0011925, OMIM 607855.

Submission:

MGZ Medical Genetics Center
Classification: Likely pathogenic for Merosin deficient congenital muscular dystrophy. Last evaluated: 2021-09-06. Review status: criteria provided, single submitter. Criteria: ACMG Guidelines, 2015. Collection method: clinical testing. Allele origin: germline. Affected: yes. Observed: 1 variant allele.
Comment: ACMG criteria applied: PVS1, PM2_SUP